The following is an entry in ClinVar:

ClinVar aggregate classification (germline): Uncertain significance. Review status: criteria provided, multiple submitters, no conflicts (2 of 4 stars). 3 submissions from 3 submitters: Uncertain significance (3). Last evaluated 2024-12-12.

Conditions:
Hereditary cancer-predisposing syndrome. Also called: Neoplastic Syndromes, Hereditary; Tumor predisposition; Hereditary Cancer Syndrome; Hereditary neoplastic syndrome. Identifiers: Orphanet 140162, MedGen C0027672, MeSH D009386, MONDO:0015356.
Familial cancer of breast. Also called: BREAST CANCER, FAMILIAL; Hereditary breast cancer; hereditary breast carcinoma. Identifiers: Orphanet 227535, MedGen C0346153, MONDO:0016419, OMIM 114480. Disease mechanism: loss of function.

Submissions (3):

Ambry Genetics
Classification: Uncertain significance for Hereditary cancer-predisposing syndrome. Last evaluated: 2024-12-12. Review status: criteria provided, single submitter. Criteria: Ambry Variant Classification Scheme 2023. Collection method: clinical testing. Allele origin: germline.
Comment: The p.E273K variant (also known as c.817G>A), located in coding exon 6 of the CHEK2 gene, results from a G to A substitution at nucleotide position 817. The glutamic acid at codon 273 is replaced by lysine, an amino acid with similar properties. This alteration was reported as damaging in an mES cell-based assay of CHEK2 activity (Boonen RACM et al. Cancer Res, 2022 Feb;82:615-631). This amino acid position is highly conserved in available vertebrate species. In addition, this alteration is predicted to be deleterious by in silico analysis. Based on the available evidence, the clinical significance of this variant remains unclear.

Labcorp Genetics (formerly Invitae), Labcorp
Classification: Uncertain significance for Familial cancer of breast. Last evaluated: 2024-12-04. Review status: criteria provided, single submitter. Criteria: Invitae Variant Classification Sherloc (09022015). Collection method: clinical testing. Allele origin: germline.
Comment: This sequence change replaces glutamic acid, which is acidic and polar, with lysine, which is basic and polar, at codon 273 of the CHEK2 protein (p.Glu273Lys). This variant is not present in population databases (gnomAD no frequency). This variant has not been reported in the literature in individuals affected with CHEK2-related conditions. ClinVar contains an entry for this variant (Variation ID: 141973). An algorithm developed to predict the effect of missense changes on protein structure and function (PolyPhen-2) suggests that this variant is likely to be disruptive. Experimental studies have shown that this missense change affects CHEK2 function (PMID: 34903604). In summary, the available evidence is currently insufficient to determine the role of this variant in disease. Therefore, it has been classified as a Variant of Uncertain Significance.

Baylor Genetics
Classification: Uncertain significance for Familial cancer of breast. Last evaluated: 2024-03-29. Review status: criteria provided, single submitter. Criteria: ACMG Guidelines, 2015. Collection method: clinical testing. Allele origin: unknown.

Literature cited by the submitters: PubMed 34903604 (cited by Ambry Genetics and Labcorp Genetics (formerly Invitae), Labcorp).

NM_007194.4(CHEK2):c.817G>A (p.Glu273Lys)

Gene: CHEK2 (checkpoint kinase 2; minus strand). Cytogenetic location: 22q12.1.
Variant type: single nucleotide variant.
Coding change: c.817G>A on transcript NM_007194.4 (MANE Select); coding-DNA position 817, G replaced by A.
Protein change: p.Glu273Lys; replaces glutamic acid 273 with lysine.
Molecular consequence: missense variant.
Genome position (GRCh38, 1-based): chr22:28,710,035, C>T on the plus strand (G>A on the coding strand, the complement: CHEK2 is on the minus strand). VCF-style: chr22-28710035-C-T. GRCh37 (hg19) VCF-style: chr22-29106023-C-T.
Other names: c.946G>A, p.Glu316Lys (NM_001005735.3); c.154G>A, p.Glu52Lys (NM_001257387.3); c.616G>A, p.Glu206Lys (NM_001349956.3); c.817G>A, p.Glu273Lys (NM_145862.3); short protein forms E273K, E316K, E206K, E52K.
Identifiers: ClinVar variation 141973 (VCV000141973.17), dbSNP rs587782152, ClinGen allele CA166984.
Genomic context (GRCh38, chr22:28,710,035, plus strand): 5'-ATCTAAGTATGAGTCATATAATAATACTTACATGATTTAGCTTTTTCAAAATTTCTATTT[C>T]TGTTTCAACATTGAGAGCTGGGTCCTTTGATAAACAGAATAACAGAGTTTATTAGTAATA-3'
Protein context (NP_009125.1, residues 263-283): EADPALNVET[Glu273Lys]IEILKKLNHP